The following is an entry in ClinVar:

NM_152564.5(VPS13B):c.7099G>T (p.Ala2367Ser)

Gene: VPS13B (vacuolar protein sorting 13 homolog B; plus strand). Cytogenetic location: 8q22.2.
Variant type: single nucleotide variant.
Coding change: c.7099G>T on transcript NM_152564.5 (MANE Select); coding-DNA position 7099, G replaced by T.
Protein change: p.Ala2367Ser; replaces alanine 2367 with serine.
Molecular consequence: missense variant.
Genome position (GRCh38, 1-based): chr8:99,766,822, G>T. VCF-style: chr8-99766822-G-T. GRCh37 (hg19) VCF-style: chr8-100779050-G-T.
Other names: c.7174G>T, p.Ala2392Ser (NM_017890.5); short protein forms A2367S, A2392S.
Identifiers: ClinVar variation 1389143 (VCV001389143.3), dbSNP rs1001142449, ClinGen allele CA183039750.
Genomic context (GRCh38, chr8:99,766,822, plus strand): 5'-ATTTTAACATAGGTTCCTTGTAGCTTGGAATACTGGGATGAACTCCAGAAGGTTTTTGTT[G>T]CATTTAGAGAATTTAATCTGTCTGAAAGCAAAGTTTGTGAACTGCAGTTGCCGGATATCA-3'
Protein context (NP_689777.3, residues 2357-2377): YWDELQKVFV[Ala2367Ser]FREFNLSESK

ClinVar aggregate classification (germline): Uncertain significance (1 of 4 stars; one submission).

Conditions:
Cohen syndrome (COH1). Also called: PEPPER SYNDROME; Cutis verticis gyrata, retinitis pigmentosa, and sensorineural deafness. Identifiers: Orphanet 193, MedGen C0265223, MONDO:0008999, OMIM 216550.

Allele frequency attached by ClinVar (database versions not stated): gnomAD exomes below 0.00001 and 0.00001.
gnomAD v4.1: 2 of 1,613,898 alleles (0.00012%); highest among the groups gnomAD compares: East Asian, 0.0022%; no homozygotes.

Submission:

Labcorp Genetics (formerly Invitae), Labcorp
Classification: Uncertain significance for Cohen syndrome. Last evaluated: 2022-08-01. Review status: criteria provided, single submitter. Criteria: Invitae Variant Classification Sherloc (09022015). Collection method: clinical testing. Allele origin: germline.
Comment: This sequence change replaces alanine, which is neutral and non-polar, with serine, which is neutral and polar, at codon 2392 of the VPS13B protein (p.Ala2392Ser). This variant is present in population databases (no rsID available, gnomAD 0.006%). This variant has not been reported in the literature in individuals affected with VPS13B-related conditions. ClinVar contains an entry for this variant (Variation ID: 1389143). Algorithms developed to predict the effect of missense changes on protein structure and function are either unavailable or do not agree on the potential impact of this missense change (SIFT: "Not Available"; PolyPhen-2: "Possibly Damaging"; Align-GVGD: "Not Available"). In summary, the available evidence is currently insufficient to determine the role of this variant in disease. Therefore, it has been classified as a Variant of Uncertain Significance.